The following is an entry in ClinVar:

ClinVar aggregate classification (germline): Conflicting classifications of pathogenicity. Review status: criteria provided, conflicting classifications (1 of 4 stars). 3 submissions from 3 submitters: Likely pathogenic (1); Uncertain significance (1). 1 of the submissions does not count toward it. Last evaluated 2024-05-22.

Conditions:
Autoimmune lymphoproliferative syndrome type 1. Also called: AUTOIMMUNE LYMPHOPROLIFERATIVE SYNDROME, TYPE I, AUTOSOMAL DOMINANT. Identifiers: Orphanet 3261, MedGen C2717884, MONDO:0011158, OMIM 601859.
FAS-related disorder. Also called: FAS-related condition.

Allele frequency attached by ClinVar (database versions not stated): gnomAD 0.00001; TOPMed 0.00001.
gnomAD v4.1: 1 of 1,613,762 alleles (0.000062%); highest among the groups gnomAD compares: Admixed American, 0.0017%; no homozygotes.

Submissions (3):

Mayo Clinic Laboratories, Mayo Clinic
Classification: Uncertain significance. Last evaluated: 2024-05-22. Review status: criteria provided, single submitter. Criteria: ACMG Guidelines, 2015. Collection method: clinical testing. Allele origin: germline. Observed: 1 variant allele.
Comment: PP3, PM2

Labcorp Genetics (formerly Invitae), Labcorp
Classification: Likely pathogenic for Autoimmune lymphoproliferative syndrome. Last evaluated: 2024-03-04. Review status: criteria provided, single submitter. Criteria: Invitae Variant Classification Sherloc (09022015). Collection method: clinical testing. Allele origin: germline.
Comment: This sequence change falls in intron 3 of the FAS gene. It does not directly change the encoded amino acid sequence of the FAS protein. It affects a nucleotide within the consensus splice site. This variant is not present in population databases (gnomAD no frequency). This variant has been observed in individual(s) with autosomal dominant autoimmune lymphoproliferative syndrome (PMID: 18948840; Invitae). ClinVar contains an entry for this variant (Variation ID: 1406327). Variants that disrupt the consensus splice site are a relatively common cause of aberrant splicing (PMID: 17576681, 9536098). Algorithms developed to predict the effect of sequence changes on RNA splicing suggest that this variant may disrupt the consensus splice site. In summary, the currently available evidence indicates that the variant is pathogenic, but additional data are needed to prove that conclusively. Therefore, this variant has been classified as Likely Pathogenic.

PreventionGenetics, part of Exact Sciences
Classification: Uncertain significance for FAS-related condition. Last evaluated: 2024-02-19. Review status: no assertion criteria provided. Collection method: clinical testing. Allele origin: germline. Not counted in ClinVar's aggregate classification.
Comment: The FAS c.334+3A>C variant is predicted to interfere with splicing. In the literature this variant is also referred to as IVS3+3A>C. This variant has been reported in an individual with autoimmune lymphoproliferative syndrome (Patient 22, Fuchs et al. 2009. PubMed ID: 18948840) and has been reported at PreventionGenetics in at least three individuals undergoing testing for autoimmune lymphoproliferative syndrome (Internal Data). However, the functional impact of this splice variant is unknown. This variant has not been reported in a large population database, indicating this variant is rare. Another variant impacting the same splice site (334+2dupT) has been reported in an individual with autoimmune lymphoproliferative syndrome and functional studies showed that the variant lead to a deletion of exon 3 and/or exons 3 and 4, however mRNA studies showed no impact on mRNA production and stability (Patient 2, Fisher et al. 1995. PubMed ID: 7540117). Although we suspect that this variant may be pathogenic, at this time, the clinical significance of this variant is uncertain due to the absence of conclusive functional and genetic evidence.

Literature cited by the submitters: PubMed 18948840 (cited by Mayo Clinic Laboratories, Mayo Clinic and Labcorp Genetics (formerly Invitae), Labcorp); PubMed 25525159 (cited by Mayo Clinic Laboratories, Mayo Clinic); PubMed 7540117 (cited by Mayo Clinic Laboratories, Mayo Clinic); PubMed 17576681 (cited by Labcorp Genetics (formerly Invitae), Labcorp); PubMed 9536098 (cited by Labcorp Genetics (formerly Invitae), Labcorp).

NM_000043.6(FAS):c.334+3A>C

Gene: FAS (Fas cell surface death receptor; plus strand). Cytogenetic location: 10q23.31.
Variant type: single nucleotide variant.
Coding change: c.334+3A>C on transcript NM_000043.6 (MANE Select); 3 bases into the intron after coding-DNA position 334, A replaced by C.
Molecular consequence: intron variant.
Genome position (GRCh38, 1-based): chr10:89,007,840, A>C. VCF-style: chr10-89007840-A-C. GRCh37 (hg19) VCF-style: chr10-90767597-A-C.
Other names: p.?; c.334+3A>C (NM_152872.4, NM_001320619.2, NM_152871.4 and 1 more transcripts).
Identifiers: ClinVar variation 1406327 (VCV001406327.11), dbSNP rs1848316496, ClinGen allele CA930982312.